The following is an entry in ClinVar:

NM_004273.5(CHST3):c.845T>A (p.Phe282Tyr)

Gene: CHST3 (carbohydrate sulfotransferase 3; plus strand). Cytogenetic location: 10q22.1.
Variant type: single nucleotide variant.
Coding change: c.845T>A on transcript NM_004273.5 (MANE Select); coding-DNA position 845, T replaced by A.
Protein change: p.Phe282Tyr; replaces phenylalanine 282 with tyrosine.
Molecular consequence: missense variant.
Genome position (GRCh38, 1-based): chr10:72,007,876, T>A. VCF-style: chr10-72007876-T-A. GRCh37 (hg19) VCF-style: chr10-73767634-T-A.
Other names: c.845T>A (NM_004273.4); short protein forms F282Y.
Identifiers: ClinVar variation 2198938 (VCV002198938.2), dbSNP rs772237363, ClinGen allele CA5548183.

ClinVar aggregate classification (germline): Uncertain significance. Review status: criteria provided, multiple submitters, no conflicts (2 of 4 stars). 2 submissions from 2 submitters: Uncertain significance (2). Last evaluated 2025-04-05.

Conditions:
Spondyloepiphyseal dysplasia with congenital joint dislocations (SEDCJD). Also called: Chondrodysplasia with Congenital Joint Dislocations, CHST3-Related. Identifiers: Orphanet 263463, MedGen C1837657, MONDO:0007738, OMIM 143095.
Inborn genetic diseases. Identifiers: MedGen C0950123, MeSH D030342.

Allele frequency attached by ClinVar (database versions not stated): gnomAD exomes 0.00002; gnomAD 0.00001; TOPMed 0.00001; ExAC 0.00002.
gnomAD v4.1: 28 of 1,594,318 alleles (0.0018%); highest among the groups gnomAD compares: African/African-American, 0.0013%; no homozygotes.

Submissions (2):

Ambry Genetics
Classification: Uncertain significance for Inborn genetic diseases. Last evaluated: 2025-04-05. Review status: criteria provided, single submitter. Criteria: Ambry Variant Classification Scheme 2023. Collection method: clinical testing. Allele origin: germline.

Labcorp Genetics (formerly Invitae), Labcorp
Classification: Uncertain significance for Spondyloepiphyseal dysplasia with congenital joint dislocations. Last evaluated: 2022-04-24. Review status: criteria provided, single submitter. Criteria: Invitae Variant Classification Sherloc (09022015). Collection method: clinical testing. Allele origin: germline.
Comment: This sequence change replaces phenylalanine, which is neutral and non-polar, with tyrosine, which is neutral and polar, at codon 282 of the CHST3 protein (p.Phe282Tyr). This variant is present in population databases (rs772237363, gnomAD 0.06%). This variant has not been reported in the literature in individuals affected with CHST3-related conditions. Algorithms developed to predict the effect of missense changes on protein structure and function (SIFT, PolyPhen-2, Align-GVGD) all suggest that this variant is likely to be tolerated. In summary, the available evidence is currently insufficient to determine the role of this variant in disease. Therefore, it has been classified as a Variant of Uncertain Significance.